The following is an entry in ClinVar:

NM_144997.7(FLCN):c.1361G>A (p.Cys454Tyr)

Gene: FLCN (folliculin; minus strand). Cytogenetic location: 17p11.2.
Variant type: single nucleotide variant.
Coding change: c.1361G>A on transcript NM_144997.7 (MANE Select); coding-DNA position 1361, G replaced by A.
Protein change: p.Cys454Tyr; replaces cysteine 454 with tyrosine.
Molecular consequence: missense variant.
Genome position (GRCh38, 1-based): chr17:17,215,256, C>T on the plus strand (G>A on the coding strand, the complement: FLCN is on the minus strand). VCF-style: chr17-17215256-C-T. GRCh37 (hg19) VCF-style: chr17-17118570-C-T.
Other names: c.1415G>A, p.Cys472Tyr (NM_001353229.2); c.1361G>A, p.Cys454Tyr (NM_001353230.2, NM_001353231.2); short protein forms C454Y, C472Y.
Identifiers: ClinVar variation 4832075 (VCV004832075.1).

ClinVar aggregate classification (germline): Uncertain significance (1 of 4 stars; one submission).

Conditions:
Hereditary cancer-predisposing syndrome. Also called: Neoplastic Syndromes, Hereditary; Tumor predisposition; Hereditary Cancer Syndrome; Hereditary neoplastic syndrome. Identifiers: Orphanet 140162, MedGen C0027672, MeSH D009386, MONDO:0015356.

Submission:

Ambry Genetics
Classification: Uncertain significance for Hereditary cancer-predisposing syndrome. Last evaluated: 2026-02-18. Review status: criteria provided, single submitter. Criteria: Ambry Variant Classification Scheme 2023. Collection method: clinical testing. Allele origin: germline.
Comment: The p.C454Y variant (also known as c.1361G>A), located in coding exon 9 of the FLCN gene, results from a G to A substitution at nucleotide position 1361. The cysteine at codon 454 is replaced by tyrosine, an amino acid with highly dissimilar properties. This amino acid position is not well conserved in available vertebrate species. In addition, this alteration is predicted to be tolerated by in silico analysis. Based on the available evidence, the clinical significance of this variant remains unclear.